The following is an entry in ClinVar:

NM_005522.5(HOXA1):c.1001C>T (p.Ser334Phe)

Gene: HOXA1 (homeobox A1; minus strand). Cytogenetic location: 7p15.2.
Variant type: single nucleotide variant.
Coding change: c.1001C>T on transcript NM_005522.5 (MANE Select); coding-DNA position 1001, C replaced by T.
Protein change: p.Ser334Phe; replaces serine 334 with phenylalanine.
Molecular consequence: missense variant. On other transcripts: 3 prime UTR variant (1).
Genome position (GRCh38, 1-based): chr7:27,094,447, G>A on the plus strand (C>T on the coding strand, the complement: HOXA1 is on the minus strand). VCF-style: chr7-27094447-G-A. GRCh37 (hg19) VCF-style: chr7-27134066-G-A.
Other names: c.*384C>T (NM_153620.3); short protein forms S334F.
Identifiers: ClinVar variation 1769096 (VCV001769096.2), dbSNP rs771768130, ClinGen allele CA367067254.

ClinVar aggregate classification (germline): Uncertain significance (1 of 4 stars; one submission).

Conditions:
Inborn genetic diseases. Identifiers: MedGen C0950123, MeSH D030342.

Submission:

Ambry Genetics
Classification: Uncertain significance for Inborn genetic diseases. Last evaluated: 2018-01-18. Review status: criteria provided, single submitter. Criteria: Ambry Variant Classification Scheme 2023. Collection method: clinical testing. Allele origin: germline.
Comment: The p.S334F variant (also known as c.1001C>T), located in coding exon 2 of the HOXA1 gene, results from a C to T substitution at nucleotide position 1001. The serine at codon 334 is replaced by phenylalanine, an amino acid with highly dissimilar properties. This amino acid position is well conserved in available vertebrate species. In addition, the in silico prediction for this alteration is inconclusive. Since supporting evidence is limited at this time, the clinical significance of this alteration remains unclear.